The following is an entry in ClinVar:

ClinVar aggregate classification (germline): Uncertain significance. Review status: criteria provided, multiple submitters, no conflicts (2 of 4 stars). 2 submissions from 2 submitters: Uncertain significance (2). Last evaluated 2026-03-25.

Conditions:
IMPG2-related disorder. Also called: IMPG2-related condition.

Allele frequency attached by ClinVar (database versions not stated): ExAC 0.00009; 1000 Genomes Project 30x 0.00031; 1000 Genomes Project 0.00040.
gnomAD v4.1: 54 of 1,609,132 alleles (0.0034%); highest among the groups gnomAD compares: South Asian, 0.053%; 1 homozygote.

Submissions (2):

PreventionGenetics, part of Exact Sciences
Classification: Uncertain significance for IMPG2-related condition. Last evaluated: 2026-03-25. Review status: criteria provided, single submitter. Criteria: ACMG Guidelines, 2015. Collection method: clinical testing. Allele origin: germline.
Comment: The IMPG2 c.1168C>A variant is predicted to result in the amino acid substitution p.Arg390Ser. To our knowledge, this variant has not been reported in the literature. This variant is reported in 0.053% of alleles in individuals of South Asian descent in gnomAD, which may be too frequent to be a primary cause of disease. Although we suspect that this variant may be benign, at this time, the clinical significance of this variant is uncertain due to the absence of conclusive functional and genetic evidence.

Labcorp Genetics (formerly Invitae), Labcorp
Classification: Uncertain significance. Last evaluated: 2022-09-07. Review status: criteria provided, single submitter. Criteria: Invitae Variant Classification Sherloc (09022015). Collection method: clinical testing. Allele origin: germline.
Comment: This sequence change replaces arginine, which is basic and polar, with serine, which is neutral and polar, at codon 390 of the IMPG2 protein (p.Arg390Ser). This variant is present in population databases (rs531354781, gnomAD 0.05%). This variant has not been reported in the literature in individuals affected with IMPG2-related conditions. ClinVar contains an entry for this variant (Variation ID: 954429). Algorithms developed to predict the effect of missense changes on protein structure and function (SIFT, PolyPhen-2, Align-GVGD) all suggest that this variant is likely to be tolerated. In summary, the available evidence is currently insufficient to determine the role of this variant in disease. Therefore, it has been classified as a Variant of Uncertain Significance.

NM_016247.4(IMPG2):c.1168C>A (p.Arg390Ser)

Gene: IMPG2 (interphotoreceptor matrix proteoglycan 2; minus strand). Cytogenetic location: 3q12.3.
Variant type: single nucleotide variant.
Coding change: c.1168C>A on transcript NM_016247.4 (MANE Select); coding-DNA position 1168, C replaced by A.
Protein change: p.Arg390Ser; replaces arginine 390 with serine.
Molecular consequence: missense variant.
Genome position (GRCh38, 1-based): chr3:101,253,767, G>T on the plus strand (C>A on the coding strand, the complement: IMPG2 is on the minus strand). VCF-style: chr3-101253767-G-T. GRCh37 (hg19) VCF-style: chr3-100972611-G-T.
Other names: short protein forms R390S.
Identifiers: ClinVar variation 954429 (VCV000954429.8), dbSNP rs531354781, ClinGen allele CA2519256.